The following is an entry in ClinVar:

ClinVar aggregate classification (germline): Uncertain significance. Review status: criteria provided, multiple submitters, no conflicts (2 of 4 stars). 3 submissions from 3 submitters: Uncertain significance (3). Last evaluated 2025-09-28.

Conditions:
Hereditary cancer-predisposing syndrome. Also called: Neoplastic Syndromes, Hereditary; Hereditary Cancer Syndrome; Hereditary neoplastic syndrome; Tumor predisposition. Identifiers: Orphanet 140162, MedGen C0027672, MeSH D009386, MONDO:0015356.
Renal cell carcinoma. Identifiers: Orphanet 217071, MedGen C0007134, MeSH D002292, MONDO:0005086, HP:0005584.

Allele frequency attached by ClinVar (database versions not stated): gnomAD exomes below 0.00001; TOPMed 0.00001.
gnomAD v4.1: 3 of 1,613,734 alleles (0.00019%); highest among the groups gnomAD compares: Non-Finnish European, 0.00017%; no homozygotes.

Submissions (3):

Labcorp Genetics (formerly Invitae), Labcorp
Classification: Uncertain significance for Renal cell carcinoma. Last evaluated: 2025-09-28. Review status: criteria provided, single submitter. Criteria: Invitae Variant Classification Sherloc (09022015). Collection method: clinical testing. Allele origin: germline.
Comment: This sequence change replaces glycine, which is neutral and non-polar, with aspartic acid, which is acidic and polar, at codon 780 of the MET protein (p.Gly780Asp). This variant is not present in population databases (gnomAD no frequency). This variant has not been reported in the literature in individuals affected with MET-related conditions. ClinVar contains an entry for this variant (Variation ID: 1061371). Invitae Evidence Modeling of protein sequence and biophysical properties (such as structural, functional, and spatial information, amino acid conservation, physicochemical variation, residue mobility, and thermodynamic stability) indicates that this missense variant is not expected to disrupt MET protein function with a negative predictive value of 80%. In summary, the available evidence is currently insufficient to determine the role of this variant in disease. Therefore, it has been classified as a Variant of Uncertain Significance.

Center for Genomic Medicine, Rigshospitalet, Copenhagen University Hospital
Classification: Uncertain significance. Last evaluated: 2025-03-04. Review status: criteria provided, single submitter. Criteria: ACMG Guidelines, 2015. Collection method: clinical testing. Allele origin: germline.

Ambry Genetics
Classification: Uncertain significance for Hereditary cancer-predisposing syndrome. Last evaluated: 2024-05-10. Review status: criteria provided, single submitter. Criteria: Ambry Variant Classification Scheme 2023. Collection method: clinical testing. Allele origin: germline.
Comment: The p.G780D variant (also known as c.2339G>A), located in coding exon 9 of the MET gene, results from a G to A substitution at nucleotide position 2339. The glycine at codon 780 is replaced by aspartic acid, an amino acid with similar properties. This amino acid position is conserved. In addition, the in silico prediction for this alteration is inconclusive. Since supporting evidence is limited at this time, the clinical significance of this alteration remains unclear.

NM_000245.4(MET):c.2285G>A (p.Gly762Asp)

Gene: MET (MET proto-oncogene, receptor tyrosine kinase; plus strand). Cytogenetic location: 7q31.2.
Variant type: single nucleotide variant.
Coding change: c.2285G>A on transcript NM_000245.4 (MANE Select); coding-DNA position 2285, G replaced by A.
Protein change: p.Gly762Asp; replaces glycine 762 with aspartic acid.
Molecular consequence: missense variant.
Genome position (GRCh38, 1-based): chr7:116,759,411, G>A. VCF-style: chr7-116759411-G-A. GRCh37 (hg19) VCF-style: chr7-116399465-G-A.
Other names: c.2339G>A, p.Gly780Asp (NM_001127500.3); c.2285G>A, p.Gly762Asp (NM_001324401.3); c.995G>A, p.Gly332Asp (NM_001324402.2); short protein forms G332D, G762D, G780D.
Identifiers: ClinVar variation 1061371 (VCV001061371.16), dbSNP rs1060503541, ClinGen allele CA368982027.